The following is an entry in ClinVar:

NM_004407.4(DMP1):c.352G>A (p.Asp118Asn)

Genes: DMP1 (dentin matrix acidic phosphoprotein 1; plus strand), DMP1-AS1 (DMP1 and DSPP antisense RNA 1; minus strand). Cytogenetic location: 4q22.1.
Variant type: single nucleotide variant.
Coding change: c.352G>A on transcript NM_004407.4 (MANE Select); coding-DNA position 352, G replaced by A.
Protein change: p.Asp118Asn; replaces aspartic acid 118 with asparagine.
Molecular consequence: missense variant.
Genome position (GRCh38, 1-based): chr4:87,662,130, G>A. VCF-style: chr4-87662130-G-A. GRCh37 (hg19) VCF-style: chr4-88583282-G-A.
Other names: c.304G>A, p.Asp102Asn (NM_001079911.3); short protein forms D118N, D102N.
Identifiers: ClinVar variation 1354748 (VCV001354748.8), dbSNP rs2110016341, ClinGen allele CA357698762.

ClinVar aggregate classification (germline): Uncertain significance (1 of 4 stars; one submission).

Allele frequency attached by ClinVar (database versions not stated): gnomAD exomes below 0.00001.
gnomAD v4.1: 1 of 1,614,222 alleles (0.000062%); highest among the groups gnomAD compares: Admixed American, 0.0017%; no homozygotes.

Submission:

Labcorp Genetics (formerly Invitae), Labcorp
Classification: Uncertain significance. Last evaluated: 2021-05-18. Review status: criteria provided, single submitter. Criteria: Invitae Variant Classification Sherloc (09022015). Collection method: clinical testing. Allele origin: germline.
Comment: In summary, the available evidence is currently insufficient to determine the role of this variant in disease. Therefore, it has been classified as a Variant of Uncertain Significance. This sequence change replaces aspartic acid with asparagine at codon 118 of the DMP1 protein (p.Asp118Asn). The aspartic acid residue is highly conserved and there is a small physicochemical difference between aspartic acid and asparagine. This variant is not present in population databases (ExAC no frequency). This variant has not been reported in the literature in individuals with DMP1-related conditions. Algorithms developed to predict the effect of missense changes on protein structure and function are either unavailable or do not agree on the potential impact of this missense change (SIFT: "Deleterious"; PolyPhen-2: "Probably Damaging"; Align-GVGD: "Class C0").